The following is an entry in ClinVar:

ClinVar aggregate classification (germline): Likely benign. Review status: criteria provided, multiple submitters, no conflicts (2 of 4 stars). 3 submissions from 3 submitters: Likely benign (3). Last evaluated 2025-05-23.

Conditions:
PPP2R5D-related disorder. Also called: PPP2R5D-related condition.

Allele frequency attached by ClinVar (database versions not stated): gnomAD exomes below 0.00001; gnomAD 0.00001.
gnomAD v4.1: 5 of 1,613,214 alleles (0.00031%); highest among the groups gnomAD compares: Non-Finnish European, 0.00034%; no homozygotes.

Submissions (3):

PreventionGenetics, part of Exact Sciences
Classification: Likely benign for PPP2R5D-related condition. Last evaluated: 2025-05-23. Review status: criteria provided, single submitter. Criteria: ACMG Guidelines, 2015. Collection method: clinical testing. Allele origin: germline.
Comment: This variant is classified as likely benign based on ACMG/AMP sequence variant interpretation guidelines (Richards et al. 2015 PMID: 25741868, with internal and published modifications).

Labcorp Genetics (formerly Invitae), Labcorp
Classification: Likely benign. Last evaluated: 2023-11-27. Review status: criteria provided, single submitter. Criteria: Invitae Variant Classification Sherloc (09022015). Collection method: clinical testing. Allele origin: germline.

Blueprint Genetics
Classification: Likely benign. Last evaluated: 2020-01-02. Review status: criteria provided, single submitter. Criteria: ACMG Guidelines, 2015. Collection method: clinical testing. Allele origin: germline.

NM_006245.4(PPP2R5D):c.129G>A (p.Gln43=)

Gene: PPP2R5D (protein phosphatase 2 regulatory subunit B'delta; plus strand). Cytogenetic location: 6p21.1.
Variant type: single nucleotide variant.
Coding change: c.129G>A on transcript NM_006245.4 (MANE Select); coding-DNA position 129, G replaced by A.
Protein change: p.Gln43=; no amino-acid change (glutamine 43 retained).
Molecular consequence: synonymous variant. On other transcripts: 5 prime UTR variant (1), intron variant (1).
Genome position (GRCh38, 1-based): chr6:43,006,486, G>A. VCF-style: chr6-43006486-G-A. GRCh37 (hg19) VCF-style: chr6-42974224-G-A.
Other names: c.129G>A (NM_006245.3); c.-325G>A (NM_001270476.2); c.129G>A, p.Gln43= (NM_180976.3); c.28-448G>A (NM_180977.3).
Identifiers: ClinVar variation 2876266 (VCV002876266.5), dbSNP rs1327854085, ClinGen allele CA364178555.
Genomic context (GRCh38, chr6:43,006,486, plus strand): 5'-TGGGAAGTGGATTTCAACAGGTGACTTGTTTGACCAGGCCCAGCCGCAGCCCCAGCCCCA[G>A]CCCCAGCCCCAAGCCCAGTCTCAGCCACCGTCATCCAACAAGCGTCCCAGCAATAGCACG-3'
Protein context (NP_006236.1, residues 33-53): TEEAQPQPQP[Gln43=]PQPQAQSQPP